The following is an entry in ClinVar:

ClinVar aggregate classification (germline): Uncertain significance (1 of 4 stars; one submission).

Conditions:
Aicardi-Goutieres syndrome 4. Identifiers: Orphanet 51, MedGen C1835912, MONDO:0012472, OMIM 610333.

Allele frequency attached by ClinVar (database versions not stated): ExAC 0.00001; gnomAD exomes 0.00001; TOPMed below 0.00001.
gnomAD v4.1: 16 of 1,614,108 alleles (0.00099%); highest among the groups gnomAD compares: East Asian, 0.0022%; no homozygotes.

Submission:

Labcorp Genetics (formerly Invitae), Labcorp
Classification: Uncertain significance for Aicardi-Goutieres syndrome 4. Last evaluated: 2022-07-01. Review status: criteria provided, single submitter. Criteria: Invitae Variant Classification Sherloc (09022015). Collection method: clinical testing. Allele origin: germline.
Comment: This sequence change replaces glutamic acid, which is acidic and polar, with lysine, which is basic and polar, at codon 260 of the RNASEH2A protein (p.Glu260Lys). This variant is present in population databases (rs749242017, gnomAD 0.002%). This variant has not been reported in the literature in individuals affected with RNASEH2A-related conditions. ClinVar contains an entry for this variant (Variation ID: 1463546). Algorithms developed to predict the effect of missense changes on protein structure and function (SIFT, PolyPhen-2, Align-GVGD) all suggest that this variant is likely to be tolerated. In summary, the available evidence is currently insufficient to determine the role of this variant in disease. Therefore, it has been classified as a Variant of Uncertain Significance.

NM_006397.3(RNASEH2A):c.778G>A (p.Glu260Lys)

Gene: RNASEH2A (ribonuclease H2 subunit A; plus strand). Cytogenetic location: 19p13.13.
Variant type: single nucleotide variant.
Coding change: c.778G>A on transcript NM_006397.3 (MANE Select); coding-DNA position 778, G replaced by A.
Protein change: p.Glu260Lys; replaces glutamic acid 260 with lysine.
Molecular consequence: missense variant.
Genome position (GRCh38, 1-based): chr19:12,813,344, G>A. VCF-style: chr19-12813344-G-A. GRCh37 (hg19) VCF-style: chr19-12924158-G-A.
Other names: short protein forms E260K.
Identifiers: ClinVar variation 1463546 (VCV001463546.3), dbSNP rs749242017, ClinGen allele CA9232044.